The following is an entry in ClinVar:

NM_174878.3(CLRN1):c.407G>A (p.Gly136Glu)

Gene: CLRN1 (clarin 1; minus strand). Cytogenetic location: 3q25.1.
Variant type: single nucleotide variant.
Coding change: c.407G>A on transcript NM_174878.3 (MANE Select); coding-DNA position 407, G replaced by A.
Protein change: p.Gly136Glu; replaces glycine 136 with glutamic acid.
Molecular consequence: missense variant. On other transcripts: 3 prime UTR variant (1), non-coding transcript variant (1).
Genome position (GRCh38, 1-based): chr3:150,941,608, C>T on the plus strand (G>A on the coding strand, the complement: CLRN1 is on the minus strand). VCF-style: chr3-150941608-C-T. GRCh37 (hg19) VCF-style: chr3-150659395-C-T.
Other names: c.407G>A, p.Gly136Glu (NM_001195794.1); c.*21G>A (NM_001256819.2); c.179G>A, p.Gly60Glu (NM_052995.2); short protein forms G136E, G60E.
Identifiers: ClinVar variation 556027 (VCV000556027.13), dbSNP rs779258184, ClinGen allele CA2666069.

ClinVar aggregate classification (germline): Uncertain significance. Review status: criteria provided, multiple submitters, no conflicts (2 of 4 stars). 6 submissions from 6 submitters: Uncertain significance (5). 1 of the submissions does not count toward it. Last evaluated 2023-10-01.

Conditions:
Retinal dystrophy. Also called: Inherited retinal dystrophy. Identifiers: Orphanet 71862, MedGen C0854723, MeSH D058499, MONDO:0019118, HP:0000556.
Retinitis pigmentosa 61 (RP61). Identifiers: Orphanet 791, MedGen C3280041, MONDO:0013610, OMIM 614180.
Usher syndrome type 3. Also called: Usher Syndrome, Type III. Identifiers: Orphanet 231183, MedGen C1568248, MONDO:0016485.
Usher syndrome type 3A (USH3A). Also called: USHER SYNDROME, TYPE IIIA. Identifiers: MedGen C5779850, MONDO:0010170, OMIM 276902.

Allele frequency attached by ClinVar (database versions not stated): gnomAD 0.00002; TOPMed 0.00008.
gnomAD v4.1: 46 of 1,613,796 alleles (0.0029%); highest among the groups gnomAD compares: East Asian, 0.098%; no homozygotes.

Submissions (6):

Dept Of Ophthalmology, Nagoya University
Classification: Uncertain significance for Retinal dystrophy. Last evaluated: 2023-10-01. Review status: criteria provided, single submitter. Criteria: Submitter's publication. Collection method: research. Allele origin: germline. Affected: yes.

3billion
Classification: Uncertain significance for Retinitis pigmentosa 61. Last evaluated: 2023-07-13. Review status: criteria provided, single submitter. Criteria: ACMG Guidelines, 2015. Collection method: clinical testing. Allele origin: germline. Affected: yes.
Comment: The variant is observed at an extremely low frequency in the gnomAD v2.1.1 dataset (total allele frequency: 0.013%). Predicted Consequence/Location: Missense variant In silico tool predictions suggest the damaging effect of the variant on the gene or gene product (REVEL: 0.86; 3Cnet: 0.83). The same nucleotide change resulting in the same amino acid change has been previously reported to be associated with CLRN1-related disorder (PMID: 27610647, 31960602). However, the evidence of pathogenicity is insufficient at this time. Therefore, this variant is classified as VUS according to the recommendation of ACMG/AMP guideline.

Blueprint Genetics
Classification: Uncertain significance. Last evaluated: 2023-01-20. Review status: criteria provided, single submitter. Criteria: ACMG Guidelines, 2015. Collection method: clinical testing. Allele origin: germline.

Labcorp Genetics (formerly Invitae), Labcorp
Classification: Uncertain significance. Last evaluated: 2022-10-17. Review status: criteria provided, single submitter. Criteria: Invitae Variant Classification Sherloc (09022015). Collection method: clinical testing. Allele origin: germline.
Comment: This sequence change replaces glycine, which is neutral and non-polar, with glutamic acid, which is acidic and polar, at codon 136 of the CLRN1 protein (p.Gly136Glu). This variant is present in population databases (rs779258184, gnomAD 0.2%). This missense change has been observed in individual(s) with clinical features of CLRN1-related conditions (PMID: 31960602). ClinVar contains an entry for this variant (Variation ID: 556027). Algorithms developed to predict the effect of missense changes on protein structure and function (SIFT, PolyPhen-2, Align-GVGD) all suggest that this variant is likely to be disruptive. In summary, the available evidence is currently insufficient to determine the role of this variant in disease. Therefore, it has been classified as a Variant of Uncertain Significance.

Myriad Genetics, Inc.
Classification: Uncertain significance for Usher syndrome type 3A. Last evaluated: 2021-10-01. Review status: criteria provided, single submitter. Criteria: Myriad Women's Health Autosomal Recessive and X-Linked Classification Criteria (2021). Collection method: clinical testing. Allele origin: unknown.
Comment: NM_174878.2(CLRN1):c.407G>A(G136E) is a missense variant classified as a variant of uncertain significance in the context of Usher syndrome type 3. G136E has been observed in cases with relevant disease (PMID: 27610647, 28471114, 25268133, 31960602, 31213501). Functional assessments of this variant are not available in the literature. G136E has been observed in population frequency databases (gnomAD: EAS 0.17%). In summary, there is insufficient evidence to classify NM_174878.2(CLRN1):c.407G>A(G136E) as pathogenic or benign. Please note: this variant was assessed in the context of healthy population screening.

Natera, Inc.
Classification: Uncertain significance for Usher syndrome type 3. Last evaluated: 2020-01-10. Review status: no assertion criteria provided. Collection method: clinical testing. Allele origin: germline. Not counted in ClinVar's aggregate classification.

Literature cited by the submitters: PubMed 27610647 (cited by 3billion and Myriad Genetics, Inc.); PubMed 31960602 (cited by Labcorp Genetics (formerly Invitae), Labcorp and Myriad Genetics, Inc.); PubMed 28471114 (cited by Myriad Genetics, Inc.); PubMed 31213501 (cited by Myriad Genetics, Inc.); PubMed 25268133 (cited by Myriad Genetics, Inc.).